The following is an entry in ClinVar:

NM_003791.4(MBTPS1):c.161A>G (p.Tyr54Cys)

Gene: MBTPS1 (membrane bound transcription factor peptidase, site 1; minus strand). Cytogenetic location: 16q24.1.
Variant type: single nucleotide variant.
Coding change: c.161A>G on transcript NM_003791.4 (MANE Select); coding-DNA position 161, A replaced by G.
Protein change: p.Tyr54Cys; replaces tyrosine 54 with cysteine.
Molecular consequence: missense variant.
Genome position (GRCh38, 1-based): chr16:84,101,623, T>C on the plus strand (A>G on the coding strand, the complement: MBTPS1 is on the minus strand). VCF-style: chr16-84101623-T-C. GRCh37 (hg19) VCF-style: chr16-84135228-T-C.
Other names: short protein forms Y54C.
Identifiers: ClinVar variation 783743 (VCV000783743.12), dbSNP rs143626675, ClinGen allele CA8201892.

ClinVar aggregate classification (germline): Benign. Review status: criteria provided, multiple submitters, no conflicts (2 of 4 stars). 3 submissions from 3 submitters: Benign (2). 1 of the submissions does not count toward it. Last evaluated 2025-12-31.

Conditions:
MBTPS1-related disorder. Also called: MBTPS1-related condition.

Allele frequency attached by ClinVar (database versions not stated): gnomAD exomes 0.00040 and 0.00103; ExAC 0.00130; 1000 Genomes Project 0.00359; 1000 Genomes Project 30x 0.00359; gnomAD 0.00444 and 0.00473; TOPMed 0.00488; ESP Exome Variant Server 0.00585.
gnomAD v4.1: 1,267 of 1,612,004 alleles (0.079%); highest among the groups gnomAD compares: African/African-American, 1.6%; 9 homozygotes.

Submissions (3):

Labcorp Genetics (formerly Invitae), Labcorp
Classification: Benign. Last evaluated: 2025-12-31. Review status: criteria provided, single submitter. Criteria: Invitae Variant Classification Sherloc (09022015). Collection method: clinical testing. Allele origin: germline.

Breakthrough Genomics
Classification: Benign. Review status: criteria provided, single submitter. Criteria: ACMG Guidelines, 2015. Collection method: not provided. Allele origin: germline. Inheritance: Autosomal recessive inheritance. Affected: yes.

PreventionGenetics, part of Exact Sciences
Classification: Benign for MBTPS1-related condition. Last evaluated: 2019-11-07. Review status: no assertion criteria provided. Collection method: clinical testing. Allele origin: germline. Not counted in ClinVar's aggregate classification.
Comment: This variant is classified as benign based on ACMG/AMP sequence variant interpretation guidelines (Richards et al. 2015 PMID: 25741868, with internal and published modifications).